The following is an entry in ClinVar:

ClinVar aggregate classification (germline): Uncertain significance (1 of 4 stars; one submission).

Conditions:
Ehlers-Danlos syndrome, dermatosparaxis type. Also called: EDS VIIC; Dermatosparaxis; Ehlers-Danlos syndrome, type VII, autosomal recessive. Identifiers: Orphanet 1901, MedGen C2700425, MONDO:0009161, OMIM 225410.

Allele frequency attached by ClinVar (database versions not stated): gnomAD exomes below 0.00001; TOPMed below 0.00001; gnomAD 0.00001.
gnomAD v4.1: 4 of 1,596,536 alleles (0.00025%); highest among the groups gnomAD compares: Non-Finnish European, 0.00034%; no homozygotes.

Submission:

Labcorp Genetics (formerly Invitae), Labcorp
Classification: Uncertain significance for Ehlers-Danlos syndrome, dermatosparaxis type. Last evaluated: 2022-06-24. Review status: criteria provided, single submitter. Criteria: Invitae Variant Classification Sherloc (09022015). Collection method: clinical testing. Allele origin: germline.
Comment: This sequence change replaces aspartic acid, which is acidic and polar, with asparagine, which is neutral and polar, at codon 1049 of the ADAMTS2 protein (p.Asp1049Asn). The frequency data for this variant in the population databases is considered unreliable, as metrics indicate poor data quality at this position in the gnomAD database. This variant has not been reported in the literature in individuals affected with ADAMTS2-related conditions. Algorithms developed to predict the effect of missense changes on protein structure and function are either unavailable or do not agree on the potential impact of this missense change (SIFT: "Deleterious"; PolyPhen-2: "Benign"; Align-GVGD: "Class C15"). In summary, the available evidence is currently insufficient to determine the role of this variant in disease. Therefore, it has been classified as a Variant of Uncertain Significance.

NM_014244.5(ADAMTS2):c.3145G>A (p.Asp1049Asn)

Gene: ADAMTS2 (ADAM metallopeptidase with thrombospondin type 1 motif 2; minus strand). Cytogenetic location: 5q35.3.
Variant type: single nucleotide variant.
Coding change: c.3145G>A on transcript NM_014244.5 (MANE Select); coding-DNA position 3145, G replaced by A.
Protein change: p.Asp1049Asn; replaces aspartic acid 1049 with asparagine.
Molecular consequence: missense variant.
Genome position (GRCh38, 1-based): chr5:179,121,694, C>T on the plus strand (G>A on the coding strand, the complement: ADAMTS2 is on the minus strand). VCF-style: chr5-179121694-C-T. GRCh37 (hg19) VCF-style: chr5-178548695-C-T.
Other names: short protein forms D1049N.
Identifiers: ClinVar variation 2193009 (VCV002193009.1), dbSNP rs1246979262, ClinGen allele CA362417006.
Genomic context (GRCh38, chr5:179,121,694, plus strand): 5'-AGGCAGAGTTATAAACGGGTCGGTTACTTGACGAGATCTTCCGGATGGGCGAGTCGGGGT[C>T]CGGGCGGGACAGCCACTGAACTACGTAGCTCTTCTTGGAGGGATCTGAGATGTTTCCTAG-3'
Protein context (NP_055059.2, residues 1039-1059): SYVVQWLSRP[Asp1049Asn]PDSPIRKISS